The following is an entry in ClinVar:

ClinVar aggregate classification (germline): Uncertain significance (1 of 4 stars; one submission).

Conditions:
Familial thoracic aortic aneurysm and aortic dissection (TAAD). Also called: Thoracic aortic aneurysms and dissections. Identifiers: Orphanet 91387, MedGen C4707243, MONDO:0019625.

Submission:

Labcorp Genetics (formerly Invitae), Labcorp
Classification: Uncertain significance for Familial thoracic aortic aneurysm and aortic dissection. Last evaluated: 2025-09-27. Review status: criteria provided, single submitter. Criteria: Invitae Variant Classification Sherloc (09022015). Collection method: clinical testing. Allele origin: germline.
Comment: This sequence change replaces proline, which is neutral and non-polar, with serine, which is neutral and polar, at codon 136 of the SMAD3 protein (p.Pro136Ser). This variant is not present in population databases (gnomAD no frequency). This variant has not been reported in the literature in individuals affected with SMAD3-related conditions. Invitae Evidence Modeling of protein sequence and biophysical properties (such as structural, functional, and spatial information, amino acid conservation, physicochemical variation, residue mobility, and thermodynamic stability) indicates that this missense variant is not expected to disrupt SMAD3 protein function with a negative predictive value of 80%. In summary, the available evidence is currently insufficient to determine the role of this variant in disease. Therefore, it has been classified as a Variant of Uncertain Significance.

NM_005902.4(SMAD3):c.406C>T (p.Pro136Ser)

Gene: SMAD3 (SMAD family member 3; plus strand). Cytogenetic location: 15q22.33.
Variant type: single nucleotide variant.
Coding change: c.406C>T on transcript NM_005902.4 (MANE Select); coding-DNA position 406, C replaced by T.
Protein change: p.Pro136Ser; replaces proline 136 with serine.
Molecular consequence: missense variant. On other transcripts: intron variant (2).
Genome position (GRCh38, 1-based): chr15:67,165,258, C>T. VCF-style: chr15-67165258-C-T. GRCh37 (hg19) VCF-style: chr15-67457596-C-T.
Other names: c.91C>T, p.Pro31Ser (NM_001145102.2, NM_001407016.1); c.274C>T, p.Pro92Ser (NM_001145103.2); c.406C>T, p.Pro136Ser (NM_001407011.1, NM_001407013.1); c.259C>T, p.Pro87Ser (NM_001407014.1); c.400+170C>T (NM_001407012.1); c.85+170C>T (NM_001407015.1); short protein forms P87S, P92S, P136S, P31S.
Identifiers: ClinVar variation 4772369 (VCV004772369.1).